The following is an entry in ClinVar:

NM_001082971.2(DDC):c.354G>T (p.Met118Ile)

Genes: DDC (dopa decarboxylase; minus strand), DDC-AS1 (DDC antisense RNA 1; plus strand). Cytogenetic location: 7p12.1.
Variant type: single nucleotide variant.
Coding change: c.354G>T on transcript NM_001082971.2 (MANE Select); coding-DNA position 354, G replaced by T.
Protein change: p.Met118Ile; replaces methionine 118 with isoleucine.
Molecular consequence: missense variant. On other transcripts: intron variant (1).
Genome position (GRCh38, 1-based): chr7:50,537,941, C>A on the plus strand (G>T on the coding strand, the complement: DDC is on the minus strand). VCF-style: chr7-50537941-C-A. GRCh37 (hg19) VCF-style: chr7-50605639-C-A.
Other names: c.354G>T, p.Met118Ile (NM_000790.4, NM_001242887.2, NM_001242889.2 and 1 more transcripts); c.240G>T, p.Met80Ile (NM_001242886.2); c.201+5944G>T (NM_001242888.2); short protein forms M118I, M80I.
Identifiers: ClinVar variation 3777610 (VCV003777610.1).

ClinVar aggregate classification (germline): Uncertain significance (1 of 4 stars; one submission).

Submission:

GeneDx
Classification: Uncertain significance. Last evaluated: 2024-10-09. Review status: criteria provided, single submitter. Criteria: GeneDx Variant Classification Process June 2021. Collection method: clinical testing. Allele origin: germline. Affected: yes.
Comment: Not observed at significant frequency in large population cohorts (gnomAD); In silico analysis indicates that this missense variant does not alter protein structure/function; Has not been previously published as pathogenic or benign to our knowledge